The following is an entry in ClinVar:

ClinVar aggregate classification (germline): Likely benign (1 of 4 stars; one submission).

Allele frequency attached by ClinVar (database versions not stated): gnomAD exomes below 0.00001.
gnomAD v4.1: 1 of 1,614,206 alleles (0.000062%); no homozygotes.

Submission:

CeGaT Center for Human Genetics Tuebingen
Classification: Likely benign. Last evaluated: 2024-02-01. Review status: criteria provided, single submitter. Criteria: CeGaT Center For Human Genetics Tuebingen Variant Classification Criteria Version 2. Collection method: clinical testing. Allele origin: germline. Affected: yes. Observed: 1 variant allele.
Comment: RYR1: PM2:Supporting, BP4, BP7

NM_000540.3(RYR1):c.11829A>G (p.Glu3943=)

Gene: RYR1 (ryanodine receptor 1; plus strand). Cytogenetic location: 19q13.2.
Variant type: single nucleotide variant.
Coding change: c.11829A>G on transcript NM_000540.3 (MANE Select); coding-DNA position 11829, A replaced by G.
Protein change: p.Glu3943=; no amino-acid change (glutamic acid 3943 retained).
Molecular consequence: synonymous variant.
Genome position (GRCh38, 1-based): chr19:38,543,582, A>G. VCF-style: chr19-38543582-A-G. GRCh37 (hg19) VCF-style: chr19-39034222-A-G.
Other names: c.11814A>G, p.Glu3938= (NM_001042723.2).
Identifiers: ClinVar variation 3026033 (VCV003026033.22), dbSNP rs2514577058, ClinGen allele CA507355042.